The following is an entry in ClinVar:

ClinVar aggregate classification (germline): Uncertain significance (1 of 4 stars; one submission).

Conditions:
Inborn genetic diseases. Identifiers: MedGen C0950123, MeSH D030342.

Submission:

Ambry Genetics
Classification: Uncertain significance for Inborn genetic diseases. Last evaluated: 2020-10-30. Review status: criteria provided, single submitter. Criteria: Ambry Variant Classification Scheme 2023. Collection method: clinical testing. Allele origin: germline.
Comment: The c.920C>T (p.P307L) alteration is located in exon 7 (coding exon 7) of the MASP1 gene. This alteration results from a C to T substitution at nucleotide position 920, causing the proline (P) at amino acid position 307 to be replaced by a leucine (L). Based on data from the Genome Aggregation Database (gnomAD), the MASP1 c.920C>T alteration was not observed, with coverage at this position. This amino acid position is well conserved in available vertebrate species. The p.P307L alteration is predicted to be tolerated by in silico analysis. Based on insufficient or conflicting evidence, the clinical significance of this alteration remains unclear.

NM_139125.4(MASP1):c.920C>T (p.Pro307Leu)

Gene: MASP1 (MBL associated serine protease 1; minus strand). Cytogenetic location: 3q27.3.
Variant type: single nucleotide variant.
Coding change: c.920C>T on transcript NM_139125.4 (MANE Select); coding-DNA position 920, C replaced by T.
Protein change: p.Pro307Leu; replaces proline 307 with leucine.
Molecular consequence: missense variant. On other transcripts: non-coding transcript variant (1).
Genome position (GRCh38, 1-based): chr3:187,251,725, G>A on the plus strand (C>T on the coding strand, the complement: MASP1 is on the minus strand). VCF-style: chr3-187251725-G-A. GRCh37 (hg19) VCF-style: chr3-186969513-G-A.
Other names: c.920C>T, p.Pro307Leu (NM_001031849.3, NM_001879.6); short protein forms P307L.
Identifiers: ClinVar variation 2227724 (VCV002227724.2), dbSNP rs2474147839, ClinGen allele CA355741674.
Genomic context (GRCh38, chr3:187,251,725, plus strand): 5'-ACGAGCACTTGGTCTTTGAAGAAATACTTGGCTTGGGAGGGCTCGATTTTCCCATGGACA[G>A]GAGGCTGTAGCTCTGGGCACTCATTTCCTGGTGAGGAGCAAATGAAAGAACAGCAGGTGA-3'
Protein context (NP_624302.1, residues 297-317): AGNECPELQP[Pro307Leu]VHGKIEPSQA